The following is an entry in ClinVar:

NM_033026.6(PCLO):c.656T>C (p.Ile219Thr)

Gene: PCLO (piccolo presynaptic cytomatrix protein; minus strand). Cytogenetic location: 7q21.11.
Variant type: single nucleotide variant.
Coding change: c.656T>C on transcript NM_033026.6 (MANE Select); coding-DNA position 656, T replaced by C.
Protein change: p.Ile219Thr; replaces isoleucine 219 with threonine.
Molecular consequence: missense variant.
Genome position (GRCh38, 1-based): chr7:83,155,985, A>G on the plus strand (T>C on the coding strand, the complement: PCLO is on the minus strand). VCF-style: chr7-83155985-A-G. GRCh37 (hg19) VCF-style: chr7-82785301-A-G.
Other names: c.656T>C, p.Ile219Thr (NM_014510.3); short protein forms I219T.
Identifiers: ClinVar variation 1361631 (VCV001361631.8), dbSNP rs1792286426, ClinGen allele CA367920053.
Genomic context (GRCh38, chr7:83,155,985, plus strand): 5'-ATTGATTTGGGAGTGCCATCCTGCTGAAGCGGATCCCTACCAGGTCCTTGCTGCTTAGGA[A>G]TCGGCTTGGGTGGCTGTTGTTGTAAAGGAGGTTTTATGATTCCTTCAGGTTTTCCTTGCT-3'
Protein context (NP_149015.2, residues 209-229): PPLQQQPPKP[Ile219Thr]PKQQGPGRDP

ClinVar aggregate classification (germline): Uncertain significance (1 of 4 stars; one submission).

gnomAD v4.1: 1 of 1,613,196 alleles (0.000062%); no homozygotes.

Submission:

Labcorp Genetics (formerly Invitae), Labcorp
Classification: Uncertain significance. Last evaluated: 2022-08-16. Review status: criteria provided, single submitter. Criteria: Invitae Variant Classification Sherloc (09022015). Collection method: clinical testing. Allele origin: germline.
Comment: This sequence change replaces isoleucine, which is neutral and non-polar, with threonine, which is neutral and polar, at codon 219 of the PCLO protein (p.Ile219Thr). This variant is not present in population databases (gnomAD no frequency). This variant has not been reported in the literature in individuals affected with PCLO-related conditions. ClinVar contains an entry for this variant (Variation ID: 1361631). Algorithms developed to predict the effect of missense changes on protein structure and function are either unavailable or do not agree on the potential impact of this missense change (SIFT: "Tolerated"; PolyPhen-2: "Not Available"; Align-GVGD: "Class C0"). In summary, the available evidence is currently insufficient to determine the role of this variant in disease. Therefore, it has been classified as a Variant of Uncertain Significance.